The following is an entry in ClinVar:

NM_001394390.1(STON2):c.1521C>T (p.Phe507=)

Gene: STON2 (stonin 2; minus strand). Cytogenetic location: 14q31.1.
Variant type: single nucleotide variant.
Coding change: c.1521C>T on transcript NM_001394390.1 (MANE Select); coding-DNA position 1521, C replaced by T.
Protein change: p.Phe507=; no amino-acid change (phenylalanine 507 retained).
Molecular consequence: synonymous variant.
Genome position (GRCh38, 1-based): chr14:81,277,961, G>A on the plus strand (C>T on the coding strand, the complement: STON2 is on the minus strand). VCF-style: chr14-81277961-G-A. GRCh37 (hg19) VCF-style: chr14-81744305-G-A.
Other names: c.1350C>T, p.Phe450= (NM_001256430.3, NM_001366850.2); c.1521C>T, p.Phe507= (NM_001366849.2).
Identifiers: ClinVar variation 2644432 (VCV002644432.24), dbSNP rs142806717, ClinGen allele CA7295311.

ClinVar aggregate classification (germline): Likely benign (1 of 4 stars; one submission).

Allele frequency attached by ClinVar (database versions not stated): ESP Exome Variant Server 0.00085; gnomAD 0.00092; TOPMed 0.00093; ExAC 0.00112; gnomAD exomes 0.00139.
gnomAD v4.1: 2,136 of 1,614,160 alleles (0.13%); highest among the groups gnomAD compares: Non-Finnish European, 0.16%; 3 homozygotes.

Submission:

CeGaT Center for Human Genetics Tuebingen
Classification: Likely benign. Last evaluated: 2022-08-01. Review status: criteria provided, single submitter. Criteria: CeGaT Center For Human Genetics Tuebingen Variant Classification Criteria Version 2. Collection method: clinical testing. Allele origin: germline. Affected: yes. Observed: 1 variant allele.
Comment: STON2: BP4, BP7